The following is an entry in ClinVar:

ClinVar aggregate classification (germline): Uncertain significance (1 of 4 stars; one submission).

Conditions:
POLG2-related disorder. Also called: POLG2-related disorders; POLG2-related condition.

Submission:

PreventionGenetics, part of Exact Sciences
Classification: Uncertain significance for POLG2-related condition. Last evaluated: 2025-07-30. Review status: criteria provided, single submitter. Criteria: ACMG Guidelines, 2015. Collection method: clinical testing. Allele origin: germline.
Comment: The POLG2 c.767T>C variant is predicted to result in the amino acid substitution p.Leu256Ser. To our knowledge, this variant has not been reported in the literature or in a large population database (gnomAD), indicating this variant is rare. At this time, the clinical significance of this variant is uncertain due to the absence of conclusive functional and genetic evidence.

NM_007215.4(POLG2):c.767T>C (p.Leu256Ser)

Genes: MILR1 (mast cell immunoglobulin like receptor 1; plus strand), POLG2 (DNA polymerase gamma 2, accessory subunit; minus strand). Cytogenetic location: 17q23.3.
Variant type: single nucleotide variant.
Coding change: c.767T>C on transcript NM_007215.4 (MANE Select); coding-DNA position 767, T replaced by C.
Protein change: p.Leu256Ser; replaces leucine 256 with serine.
Molecular consequence: missense variant.
Genome position (GRCh38, 1-based): chr17:64,492,695, A>G on the plus strand (T>C on the coding strand, the complement: POLG2 is on the minus strand). VCF-style: chr17-64492695-A-G. GRCh37 (hg19) VCF-style: chr17-62488812-A-G.
Other names: short protein forms L256S.
Identifiers: ClinVar variation 4997018 (VCV004997018.1).